The following is an entry in ClinVar:

NM_000370.3(TTPA):c.515C>G (p.Thr172Ser)

Gene: TTPA (alpha tocopherol transfer protein; minus strand). Cytogenetic location: 8q12.3.
Variant type: single nucleotide variant.
Coding change: c.515C>G on transcript NM_000370.3 (MANE Select); coding-DNA position 515, C replaced by G.
Protein change: p.Thr172Ser; replaces threonine 172 with serine.
Molecular consequence: missense variant.
Genome position (GRCh38, 1-based): chr8:63,065,941, G>C on the plus strand (C>G on the coding strand, the complement: TTPA is on the minus strand). VCF-style: chr8-63065941-G-C. GRCh37 (hg19) VCF-style: chr8-63978500-G-C.
Other names: c.515C>G, p.Thr172Ser (NM_001413416.1); c.632C>G, p.Thr211Ser (NM_001413418.1); short protein forms T172S, T211S.
Identifiers: ClinVar variation 2152048 (VCV002152048.3), dbSNP rs761956631, ClinGen allele CA4763222.

ClinVar aggregate classification (germline): Uncertain significance. Review status: criteria provided, multiple submitters, no conflicts (2 of 4 stars). 2 submissions from 2 submitters: Uncertain significance (2). Last evaluated 2025-11-03.

Allele frequency attached by ClinVar (database versions not stated): ExAC 0.00001; gnomAD 0.00002; TOPMed 0.00004.
gnomAD v4.1: 19 of 1,614,062 alleles (0.0012%); highest among the groups gnomAD compares: Middle Eastern, 0.016%; no homozygotes.

Submissions (2):

Women's Health and Genetics/Laboratory Corporation of America, LabCorp
Classification: Uncertain significance. Last evaluated: 2025-11-03. Review status: criteria provided, single submitter. Criteria: LabCorp Variant Classification Summary - May 2015. Collection method: clinical testing. Allele origin: germline.
Comment: Variant summary: TTPA c.515C>G (p.Thr172Ser) results in a conservative amino acid change in the encoded protein sequence. Algorithms developed to predict the effect of missense changes on protein structure and function all suggest that this variant is likely to be tolerated. The variant allele was found at a frequency of 1.2e-05 in 251344 control chromosomes. The available data on variant occurrences in the general population are insufficient to allow any conclusion about variant significance. c.515C>G has been observed in the presumed compound heterozygous state in at least 1 individual(s) affected with unspecified ataxia in the absence of vitamin E abnormalities (Coutelier_2018), without strong evidence for causality. These report(s) do not provide unequivocal conclusions about association of the variant with Ataxia With Vitamin E Deficiency. To our knowledge, no experimental evidence demonstrating an impact on protein function has been reported. The following publication has been ascertained in the context of this evaluation (PMID: 29482223). ClinVar contains an entry for this variant (Variation ID: 2152048). Based on the evidence outlined above, the variant was classified as uncertain significance.

Labcorp Genetics (formerly Invitae), Labcorp
Classification: Uncertain significance. Last evaluated: 2024-11-11. Review status: criteria provided, single submitter. Criteria: Invitae Variant Classification Sherloc (09022015). Collection method: clinical testing. Allele origin: germline.
Comment: This sequence change replaces threonine, which is neutral and polar, with serine, which is neutral and polar, at codon 172 of the TTPA protein (p.Thr172Ser). This variant is present in population databases (rs761956631, gnomAD 0.01%). This missense change has been observed in individual(s) with spastic ataxia (PMID: 29482223). ClinVar contains an entry for this variant (Variation ID: 2152048). Invitae Evidence Modeling of protein sequence and biophysical properties (such as structural, functional, and spatial information, amino acid conservation, physicochemical variation, residue mobility, and thermodynamic stability) indicates that this missense variant is not expected to disrupt TTPA protein function with a negative predictive value of 80%. In summary, the available evidence is currently insufficient to determine the role of this variant in disease. Therefore, it has been classified as a Variant of Uncertain Significance.

Literature cited by the submitters: PubMed 29482223 (cited by Women's Health and Genetics/Laboratory Corporation of America, LabCorp and Labcorp Genetics (formerly Invitae), Labcorp).